The following is an entry in ClinVar:

ClinVar aggregate classification (germline): Uncertain significance. Review status: criteria provided, multiple submitters, no conflicts (2 of 4 stars). 2 submissions from 2 submitters: Uncertain significance (2). Last evaluated 2023-01-06.

Conditions:
Inborn genetic diseases. Identifiers: MedGen C0950123, MeSH D030342.
Chédiak-Higashi syndrome (CHS). Also called: Chediak-Higashi Syndrome. Identifiers: Orphanet 167, MedGen C0007965, MONDO:0008963, OMIM 214500.

Allele frequency attached by ClinVar (database versions not stated): TOPMed below 0.00001; gnomAD exomes 0.00001; ExAC 0.00002.
gnomAD v4.1: 3 of 1,614,050 alleles (0.00019%); highest among the groups gnomAD compares: Admixed American, 0.005%; no homozygotes.

Submissions (2):

Ambry Genetics
Classification: Uncertain significance for Inborn genetic diseases. Last evaluated: 2023-01-06. Review status: criteria provided, single submitter. Criteria: Ambry Variant Classification Scheme 2023. Collection method: clinical testing. Allele origin: germline.

Labcorp Genetics (formerly Invitae), Labcorp
Classification: Uncertain significance for Chédiak-Higashi syndrome. Last evaluated: 2022-01-27. Review status: criteria provided, single submitter. Criteria: Invitae Variant Classification Sherloc (09022015). Collection method: clinical testing. Allele origin: germline.
Comment: This sequence change replaces glutamic acid, which is acidic and polar, with glycine, which is neutral and non-polar, at codon 651 of the LYST protein (p.Glu651Gly). This variant is present in population databases (rs767345210, gnomAD 0.009%). This variant has not been reported in the literature in individuals affected with LYST-related conditions. Algorithms developed to predict the effect of missense changes on protein structure and function output the following: SIFT: "Tolerated"; PolyPhen-2: "Benign"; Align-GVGD: "Class C0". The glycine amino acid residue is found in multiple mammalian species, which suggests that this missense change does not adversely affect protein function. In summary, the available evidence is currently insufficient to determine the role of this variant in disease. Therefore, it has been classified as a Variant of Uncertain Significance.

NM_000081.4(LYST):c.1952A>G (p.Glu651Gly)

Gene: LYST (lysosomal trafficking regulator; minus strand). Cytogenetic location: 1q42.3.
Variant type: single nucleotide variant.
Coding change: c.1952A>G on transcript NM_000081.4 (MANE Select); coding-DNA position 1952, A replaced by G.
Protein change: p.Glu651Gly; replaces glutamic acid 651 with glycine.
Molecular consequence: missense variant.
Genome position (GRCh38, 1-based): chr1:235,808,866, T>C on the plus strand (A>G on the coding strand, the complement: LYST is on the minus strand). VCF-style: chr1-235808866-T-C. GRCh37 (hg19) VCF-style: chr1-235972166-T-C.
Other names: c.1952A>G (NM_000081.2); c.1952A>G, p.Glu651Gly (NM_001301365.1); short protein forms E651G.
Identifiers: ClinVar variation 2061362 (VCV002061362.3), dbSNP rs767345210, ClinGen allele CA1467377.